The following is an entry in ClinVar:

NM_005422.4(TECTA):c.47C>T (p.Ala16Val)

Genes: TBCEL-TECTA (TBCEL-TECTA readthrough; plus strand), TECTA (tectorin alpha; plus strand). Cytogenetic location: 11q23.3.
Variant type: single nucleotide variant.
Coding change: c.47C>T on transcript NM_005422.4 (MANE Select); coding-DNA position 47, C replaced by T.
Protein change: p.Ala16Val; replaces alanine 16 with valine.
Molecular consequence: missense variant.
Genome position (GRCh38, 1-based): chr11:121,102,712, C>T. VCF-style: chr11-121102712-C-T. GRCh37 (hg19) VCF-style: chr11-120973421-C-T.
Other names: c.1004C>T, p.Ala335Val (NM_001378761.1); short protein forms A16V, A335V.
Identifiers: ClinVar variation 1313097 (VCV001313097.2), dbSNP rs2135046540, ClinGen allele CA383019463.

ClinVar aggregate classification (germline): Uncertain significance (1 of 4 stars; one submission).

Submission:

GeneDx
Classification: Uncertain significance. Last evaluated: 2020-01-21. Review status: criteria provided, single submitter. Criteria: GeneDx Variant Classification Process June 2021. Collection method: clinical testing. Allele origin: germline. Affected: yes.
Comment: Not observed in large population cohorts (Lek et al., 2016); In silico analysis, which includes protein predictors and evolutionary conservation, supports that this variant does not alter protein structure/function; Has not been previously published as pathogenic or benign to our knowledge